The following is an entry in ClinVar:

ClinVar aggregate classification (germline): Uncertain significance (1 of 4 stars; one submission).

Conditions:
Familial infantile myasthenia (CMS6). Also called: MYASTHENIC SYNDROME, CONGENITAL, 6, PRESYNAPTIC; MYASTHENIC SYNDROME, PRESYNAPTIC, CONGENITAL, ASSOCIATED WITH EPISODIC APNEA; Congenital myasthenic syndrome type 6. Identifiers: Orphanet 590, MedGen C0393929, MONDO:0009689, OMIM 254210.

Allele frequency attached by ClinVar (database versions not stated): ExAC 0.00001; gnomAD exomes 0.00002; TOPMed 0.00002; gnomAD 0.00005.
gnomAD v4.1: 44 of 1,614,138 alleles (0.0027%); highest among the groups gnomAD compares: Non-Finnish European, 0.0036%; no homozygotes.

Submission:

Labcorp Genetics (formerly Invitae), Labcorp
Classification: Uncertain significance for Familial infantile myasthenia. Last evaluated: 2024-09-23. Review status: criteria provided, single submitter. Criteria: Invitae Variant Classification Sherloc (09022015). Collection method: clinical testing. Allele origin: germline.
Comment: This sequence change replaces glutamic acid, which is acidic and polar, with aspartic acid, which is acidic and polar, at codon 713 of the CHAT protein (p.Glu713Asp). This variant is present in population databases (rs771548584, gnomAD 0.005%). This variant has not been reported in the literature in individuals affected with CHAT-related conditions. ClinVar contains an entry for this variant (Variation ID: 1366591). Invitae Evidence Modeling of protein sequence and biophysical properties (such as structural, functional, and spatial information, amino acid conservation, physicochemical variation, residue mobility, and thermodynamic stability) indicates that this missense variant is not expected to disrupt CHAT protein function with a negative predictive value of 95%. In summary, the available evidence is currently insufficient to determine the role of this variant in disease. Therefore, it has been classified as a Variant of Uncertain Significance.

NM_020549.5(CHAT):c.2139A>C (p.Glu713Asp)

Gene: CHAT (choline O-acetyltransferase; plus strand). Cytogenetic location: 10q11.23.
Variant type: single nucleotide variant.
Coding change: c.2139A>C on transcript NM_020549.5 (MANE Select); coding-DNA position 2139, A replaced by C.
Protein change: p.Glu713Asp; replaces glutamic acid 713 with aspartic acid.
Molecular consequence: missense variant.
Genome position (GRCh38, 1-based): chr10:49,664,938, A>C. VCF-style: chr10-49664938-A-C. GRCh37 (hg19) VCF-style: chr10-50872984-A-C.
Other names: c.1785A>C, p.Glu595Asp (NM_001142929.2, NM_001142934.2, NM_020984.4 and 2 more transcripts); c.1893A>C, p.Glu631Asp (NM_001142933.2); short protein forms E713D, E631D, E595D.
Identifiers: ClinVar variation 1366591 (VCV001366591.4), dbSNP rs771548584, ClinGen allele CA5497720.